The following is an entry in ClinVar:

NM_006206.6(PDGFRA):c.458C>A (p.Thr153Asn)

Gene: PDGFRA (platelet derived growth factor receptor alpha; plus strand). Cytogenetic location: 4q12.
Variant type: single nucleotide variant.
Coding change: c.458C>A on transcript NM_006206.6 (MANE Select); coding-DNA position 458, C replaced by A.
Protein change: p.Thr153Asn; replaces threonine 153 with asparagine.
Molecular consequence: missense variant.
Genome position (GRCh38, 1-based): chr4:54,263,757, C>A. VCF-style: chr4-54263757-C-A. GRCh37 (hg19) VCF-style: chr4-55129924-C-A.
Other names: c.458C>A, p.Thr153Asn (NM_001347827.2, NM_001347829.2); c.533C>A, p.Thr178Asn (NM_001347828.2); c.497C>A, p.Thr166Asn (NM_001347830.2); short protein forms T153N, T178N, T166N.
Identifiers: ClinVar variation 825020 (VCV000825020.4), dbSNP rs1577709338, ClinGen allele CA356889866.

ClinVar aggregate classification (germline): Uncertain significance (1 of 4 stars; one submission).

Conditions:
Hereditary cancer-predisposing syndrome. Also called: Neoplastic Syndromes, Hereditary; Tumor predisposition; Hereditary neoplastic syndrome; Hereditary Cancer Syndrome. Identifiers: Orphanet 140162, MedGen C0027672, MeSH D009386, MONDO:0015356.

Submission:

Ambry Genetics
Classification: Uncertain significance for Hereditary cancer-predisposing syndrome. Last evaluated: 2019-01-07. Review status: criteria provided, single submitter. Criteria: Ambry Variant Classification Scheme 2023. Collection method: clinical testing. Allele origin: germline.
Comment: The p.T153N variant (also known as c.458C>A), located in coding exon 3 of the PDGFRA gene, results from a C to A substitution at nucleotide position 458. The threonine at codon 153 is replaced by asparagine, an amino acid with similar properties. This amino acid position is well conserved in available vertebrate species. In addition, this alteration is predicted to be tolerated by in silico analysis. Since supporting evidence is limited at this time, the clinical significance of this alteration remains unclear.